The following is an entry in ClinVar:

ClinVar aggregate classification (germline): Likely pathogenic (1 of 4 stars; one submission).

Conditions:
Neurodevelopmental disorder with intracranial hemorrhage, seizures, and spasticity (NEDIHSS). Identifiers: MedGen C5830509, MONDO:0957267, OMIM 620371.

gnomAD v4.1: 2 of 1,609,690 alleles (0.00012%); highest among the groups gnomAD compares: Non-Finnish European, 0.000085%; no homozygotes.

Submission:

Neuberg Centre For Genomic Medicine, NCGM
Classification: Likely pathogenic for Neurodevelopmental disorder with intracranial hemorrhage, seizures, and spasticity. Review status: criteria provided, single submitter. Criteria: ACMG Guidelines, 2015. Collection method: clinical testing. Allele origin: germline. Inheritance: Autosomal recessive inheritance. Affected: yes.
Comment: This variant is predicted to cause loss of normal protein function either through protein truncation or nonsense-mediated mRNA decay. Loss of function variants have been previously reported to be disease causing (Lecca M,et al.,2023). For these reasons, this variant has been classified as Likely Pathogenic.

NM_138961.3(ESAM):c.608-1G>A

Gene: ESAM (endothelial cell adhesion molecule; minus strand). Cytogenetic location: 11q24.2.
Variant type: single nucleotide variant.
Coding change: c.608-1G>A on transcript NM_138961.3 (MANE Select); the canonical splice acceptor site of the intron before coding-DNA position 608, G replaced by A.
Molecular consequence: splice acceptor variant.
Genome position (GRCh38, 1-based): chr11:124,754,764, C>T on the plus strand (G>A on the coding strand, the complement: ESAM is on the minus strand). VCF-style: chr11-124754764-C-T. GRCh37 (hg19) VCF-style: chr11-124624660-C-T.
Identifiers: ClinVar variation 4086169 (VCV004086169.1).